The following is an entry in ClinVar:

NM_001267550.2(TTN):c.72787G>A (p.Asp24263Asn)

Genes: TTN (titin; minus strand), TTN-AS1 (TTN antisense RNA 1; plus strand). Cytogenetic location: 2q31.2.
Variant type: single nucleotide variant.
Coding change: c.72787G>A on transcript NM_001267550.2 (MANE Select); coding-DNA position 72787, G replaced by A.
Protein change: p.Asp24263Asn; replaces aspartic acid 24263 with asparagine.
Molecular consequence: missense variant.
Genome position (GRCh38, 1-based): chr2:178,573,345, C>T on the plus strand (G>A on the coding strand, the complement: TTN is on the minus strand). VCF-style: chr2-178573345-C-T. GRCh37 (hg19) VCF-style: chr2-179438072-C-T.
Other names: c.67864G>A, p.Asp22622Asn (NM_001256850.1); c.45592G>A, p.Asp15198Asn (NM_003319.4); c.65083G>A, p.Asp21695Asn (NM_133378.4); c.45967G>A, p.Asp15323Asn (NM_133432.3); c.46168G>A, p.Asp15390Asn (NM_133437.4); short protein forms D15198N, D15323N, D15390N, D21695N, D22622N, D24263N.
Identifiers: ClinVar variation 5041690 (VCV005041690.1).

ClinVar aggregate classification (germline): Uncertain significance (1 of 4 stars; one submission).

Submission:

CeGaT Center for Human Genetics Tuebingen
Classification: Uncertain significance. Last evaluated: 2026-09-01. Review status: criteria provided, single submitter. Criteria: CeGaT Center For Human Genetics Tuebingen Variant Classification Criteria Version 2. Collection method: clinical testing. Allele origin: germline. Affected: yes. Observed: 1 variant allele.
Comment: TTN: PM2